The following is an entry in ClinVar:

NM_001287.6(CLCN7):c.1264G>A (p.Ala422Thr)

Gene: CLCN7 (chloride voltage-gated channel 7; minus strand). Cytogenetic location: 16p13.3.
Variant type: single nucleotide variant.
Coding change: c.1264G>A on transcript NM_001287.6 (MANE Select); coding-DNA position 1264, G replaced by A.
Protein change: p.Ala422Thr; replaces alanine 422 with threonine.
Molecular consequence: missense variant.
Genome position (GRCh38, 1-based): chr16:1,452,844, C>T on the plus strand (G>A on the coding strand, the complement: CLCN7 is on the minus strand). VCF-style: chr16-1452844-C-T. GRCh37 (hg19) VCF-style: chr16-1502845-C-T.
Other names: c.1192G>A, p.Ala398Thr (NM_001114331.3); short protein forms A422T, A398T.
Identifiers: ClinVar variation 2058808 (VCV002058808.4), dbSNP rs1360191307, ClinGen allele CA394189214.

ClinVar aggregate classification (germline): Uncertain significance (1 of 4 stars; one submission).

Allele frequency attached by ClinVar (database versions not stated): TOPMed below 0.00001; gnomAD 0.00001.
gnomAD v4.1: 22 of 1,585,920 alleles (0.0014%); highest among the groups gnomAD compares: East Asian, 0.007%; no homozygotes.

Submission:

Labcorp Genetics (formerly Invitae), Labcorp
Classification: Uncertain significance. Last evaluated: 2024-11-30. Review status: criteria provided, single submitter. Criteria: Invitae Variant Classification Sherloc (09022015). Collection method: clinical testing. Allele origin: germline.
Comment: This sequence change replaces alanine, which is neutral and non-polar, with threonine, which is neutral and polar, at codon 422 of the CLCN7 protein (p.Ala422Thr). This variant is not present in population databases (gnomAD no frequency). This variant has not been reported in the literature in individuals affected with CLCN7-related conditions. ClinVar contains an entry for this variant (Variation ID: 2058808). Invitae Evidence Modeling of protein sequence and biophysical properties (such as structural, functional, and spatial information, amino acid conservation, physicochemical variation, residue mobility, and thermodynamic stability) indicates that this missense variant is not expected to disrupt CLCN7 protein function with a negative predictive value of 95%. In summary, the available evidence is currently insufficient to determine the role of this variant in disease. Therefore, it has been classified as a Variant of Uncertain Significance.